The following is an entry in ClinVar:

NM_000038.6(APC):c.5274T>G (p.Ser1758=)

Gene: APC (APC regulator of WNT signaling pathway; plus strand). Cytogenetic location: 5q22.2.
Variant type: single nucleotide variant.
Coding change: c.5274T>G on transcript NM_000038.6 (MANE Select); coding-DNA position 5274, T replaced by G.
Protein change: p.Ser1758=; no amino-acid change (serine 1758 retained).
Molecular consequence: synonymous variant. On other transcripts: non-coding transcript variant (2).
Genome position (GRCh38, 1-based): chr5:112,840,868, T>G. VCF-style: chr5-112840868-T-G. GRCh37 (hg19) VCF-style: chr5-112176565-T-G.
Other names: c.5274T>G, p.Ser1758= (NM_001127510.3, NM_001354895.2, NM_001407450.1); c.5220T>G, p.Ser1740= (NM_001127511.3); c.5328T>G, p.Ser1776= (NM_001354896.2, NM_001407447.1, NM_001407448.1 and 1 more transcripts); c.5304T>G, p.Ser1768= (NM_001354897.2); c.5199T>G, p.Ser1733= (NM_001354898.2); c.5190T>G, p.Ser1730= (NM_001354899.2); c.5151T>G, p.Ser1717= (NM_001354900.2); c.5097T>G, p.Ser1699= (NM_001354901.2, NM_001407453.1); and 11 more.
Identifiers: ClinVar variation 3386838 (VCV003386838.1).

ClinVar aggregate classification (germline): Likely benign (1 of 4 stars; one submission).

Conditions:
Classic or attenuated familial adenomatous polyposis. Identifiers: MedGen CN372698, MONDO:0021057.

Submission:

All of Us Research Program, National Institutes of Health
Classification: Likely benign for Classic or attenuated familial adenomatous polyposis. Last evaluated: 2024-05-14. Review status: criteria provided, single submitter. Criteria: ACMG Guidelines, 2015. Collection method: clinical testing. Allele origin: germline. Inheritance: Autosomal dominant inheritance. Observed: 1 variant allele, 1 heterozygote.
Comment: This study involves interpretation of variants in research participants for the purpose of population health screening. Participant phenotype was not available at the time of variant classification. Additional details can be found in publication PMID: 35346344, PMCID: PMC8962531